The following is an entry in ClinVar:

NM_018941.4(CLN8):c.-128_-126delinsTCT

Genes: CLN8 (CLN8 transmembrane ER and ERGIC protein; plus strand), CLN8-AS1 (CLN8 antisense RNA 1; minus strand). Cytogenetic location: 8p23.3.
Variant type: Indel.
Coding change: c.-128_-126delinsTCT on transcript NM_018941.4 (MANE Select); 128 bases upstream of the start codon through 126 bases upstream of the start codon, CCC replaced by TCT.
Molecular consequence: 5 prime UTR variant.
Genome position (GRCh38, 1-based): chr8:1,763,881-1,763,883, CCC replaced by TCT. VCF-style: chr8-1763881-CCC-TCT. GRCh37 (hg19) VCF-style: chr8-1712047-CCC-TCT.
Identifiers: ClinVar variation 5004226 (VCV005004226.1).
Genomic context (GRCh38, chr8:1,763,881, plus strand): 5'-TGCCGGGAGTCCTGCAGGGGCGGGGCGGCGCCAAGCGCAGGGAGCCCGGCTGAGTGGCAG[CCC>TCT]AGGTGAGCGCTCAGGGAGCCCGGGTGAGGGCCGGGAACCCAGGTGAGGGGCAGCCCAGGT-3'

ClinVar aggregate classification (germline): Uncertain significance (1 of 4 stars; one submission).

Conditions:
Neuronal ceroid lipofuscinosis. Also called: Neuronal Ceroid Lipofuscinoses. Identifiers: Orphanet 216, Orphanet 79263, MedGen C0027877, MONDO:0016295. Disease mechanism: loss of function.

Submission:

Myriad Genetics, Inc.
Classification: Uncertain significance for Neuronal ceroid lipofuscinosis. Last evaluated: 2025-10-15. Review status: criteria provided, single submitter. Criteria: Myriad Autosomal Dominant, Autosomal Recessive and X-Linked Classification Criteria (2023). Collection method: clinical testing. Allele origin: unknown.
Comment: NM_018941.3(CLN8):c.-128_-126delCCCinsTCT is a 5' regulatory variant classified as a variant of uncertain significance in the context of CLN8-related neuronal ceroid lipofuscinosis. c.-128_-126delCCCinsTCT has not been observed in cases with relevant disease. Relevant functional assessments of this variant are not available in the literature. c.-128_-126delCCCinsTCT has not been observed in referenced population frequency databases. In summary, there is insufficient evidence to classify NM_018941.3(CLN8):c.-128_-126delCCCinsTCT as pathogenic or benign. Please note: this variant was assessed in the context of healthy population screening.